The following is an entry in ClinVar:

NM_001267550.2(TTN):c.61099C>T (p.Arg20367Trp)

Genes: TTN-AS1 (TTN antisense RNA 1; plus strand), TTN (titin; minus strand). Cytogenetic location: 2q31.2.
Variant type: single nucleotide variant.
Coding change: c.61099C>T on transcript NM_001267550.2 (MANE Select); coding-DNA position 61099, C replaced by T.
Protein change: p.Arg20367Trp; replaces arginine 20367 with tryptophan.
Molecular consequence: missense variant.
Genome position (GRCh38, 1-based): chr2:178,590,626, G>A on the plus strand (C>T on the coding strand, the complement: TTN is on the minus strand). VCF-style: chr2-178590626-G-A. GRCh37 (hg19) VCF-style: chr2-179455353-G-A.
Other names: p.R18726W:CGG>TGG; c.56176C>T, p.Arg18726Trp (NM_001256850.1); c.53395C>T, p.Arg17799Trp (NM_133378.4); c.33904C>T, p.Arg11302Trp (NM_003319.4); c.34279C>T, p.Arg11427Trp (NM_133432.3); c.34480C>T, p.Arg11494Trp (NM_133437.4); short protein forms R17799W, R20367W, R18726W, R11302W, R11494W, R11427W.
Identifiers: ClinVar variation 178836 (VCV000178836.16), dbSNP rs727504479, ClinGen allele CA183130.

ClinVar aggregate classification (germline): Conflicting classifications of pathogenicity. Review status: criteria provided, conflicting classifications (1 of 4 stars). 7 submissions from 7 submitters: Uncertain significance (5); Likely benign (2). Last evaluated 2026-08-19.

Conditions:
TTN-related disorder. Also called: TTN-related condition; TTN-related disease; TTN-related disorders.
Cardiovascular phenotype. Identifiers: MedGen CN230736.
Dilated cardiomyopathy 1G (CMD1G). Identifiers: Orphanet 154, MedGen C1858763, MONDO:0011400, OMIM 604145.
Autosomal recessive limb-girdle muscular dystrophy type 2J (LGMDR10). Also called: Limb-girdle muscular dystrophy, type 2J; MUSCULAR DYSTROPHY, LIMB-GIRDLE, AUTOSOMAL RECESSIVE 10. Identifiers: Orphanet 140922, MedGen C1837342, MONDO:0012127, OMIM 608807.

Allele frequency attached by ClinVar (database versions not stated): gnomAD 0.00007 and 0.00006; TOPMed 0.00008; gnomAD exomes 0.00004 and 0.00006; ExAC 0.00005.
gnomAD v4.1: 68 of 1,612,824 alleles (0.0042%); highest among the groups gnomAD compares: African/African-American, 0.013%; no homozygotes.

Submissions (7):

PreventionGenetics, part of Exact Sciences
Classification: Uncertain significance for TTN-related condition. Last evaluated: 2026-08-19. Review status: criteria provided, single submitter. Criteria: ACMG Guidelines, 2015. Collection method: clinical testing. Allele origin: germline.
Comment: The TTN c.61099C>T variant is predicted to result in the amino acid substitution p.Arg20367Trp. To our knowledge, this variant has not been reported in the literature. This variant is reported in 0.029% of alleles in individuals of African descent in gnomAD. At this time, the clinical significance of this variant is uncertain due to the absence of conclusive functional and genetic evidence.

Revvity Omics, Revvity
Classification: Uncertain significance. Last evaluated: 2025-01-28. Review status: criteria provided, single submitter. Criteria: ACMG Guidelines, 2015. Collection method: clinical testing. Allele origin: germline.

Blueprint Genetics
Classification: Uncertain significance. Last evaluated: 2024-11-05. Review status: criteria provided, single submitter. Criteria: ACMG Guidelines, 2015. Collection method: clinical testing. Allele origin: germline.

Ambry Genetics
Classification: Likely benign for Cardiovascular phenotype. Last evaluated: 2019-11-08. Review status: criteria provided, single submitter. Criteria: Ambry Variant Classification Scheme 2023. Collection method: clinical testing. Allele origin: germline.

GeneDx
Classification: Likely benign. Last evaluated: 2018-11-06. Review status: criteria provided, single submitter. Criteria: GeneDx Variant Classification Process June 2021. Collection method: clinical testing. Allele origin: germline. Affected: yes.

Labcorp Genetics (formerly Invitae), Labcorp
Classification: Uncertain significance for Dilated cardiomyopathy 1G; Autosomal recessive limb-girdle muscular dystrophy type 2J. Last evaluated: 2017-02-11. Review status: criteria provided, single submitter. Criteria: Invitae Variant Classification Sherloc (09022015). Collection method: clinical testing. Allele origin: germline.

Laboratory for Molecular Medicine, Mass General Brigham Personalized Medicine
Classification: Uncertain significance. Last evaluated: 2015-07-15. Review status: criteria provided, single submitter. Criteria: LMM Criteria. Collection method: clinical testing. Allele origin: germline. Observed: 1 variant allele.
Comment: proposed classification - variant undergoing re-assessment, contact laboratory